The following is an entry in ClinVar:

ClinVar aggregate classification (germline): Uncertain significance (1 of 4 stars; one submission).

Conditions:
Congenital myasthenic syndrome 8. Also called: Myasthenic syndrome, congenital, 8, with pre- and postsynaptic defects; MYASTHENIC SYNDROME, CONGENITAL, DUE TO AGRIN DEFICIENCY. Identifiers: Orphanet 590, MedGen C3808739, MONDO:0014052, OMIM 615120.

Submission:

Labcorp Genetics (formerly Invitae), Labcorp
Classification: Uncertain significance for Congenital myasthenic syndrome 8. Last evaluated: 2017-04-25. Review status: criteria provided, single submitter. Criteria: Invitae Variant Classification Sherloc (09022015). Collection method: clinical testing. Allele origin: germline.
Comment: This sequence change replaces serine with arginine at codon 1909 of the AGRN protein (p.Ser1909Arg). The serine residue is moderately conserved and there is a moderate physicochemical difference between serine and arginine. This variant is not present in population databases (ExAC no frequency) and has not been reported in the literature in individuals with an AGRN-related disease. In summary, this variant is a novel missense change with uncertain impact on protein function. It has been classified as a Variant of Uncertain Significance. Algorithms developed to predict the effect of missense changes on protein structure and function do not agree on the potential impact of this missense change (SIFT: "Tolerated"; PolyPhen-2: "Probably Damaging"; Align-GVGD: "Class C0").

NM_198576.4(AGRN):c.5725A>C (p.Ser1909Arg)

Gene: AGRN (agrin; plus strand). Cytogenetic location: 1p36.33.
Variant type: single nucleotide variant.
Coding change: c.5725A>C on transcript NM_198576.4 (MANE Select); coding-DNA position 5725, A replaced by C.
Protein change: p.Ser1909Arg; replaces serine 1909 with arginine.
Molecular consequence: missense variant.
Genome position (GRCh38, 1-based): chr1:1,053,826, A>C. VCF-style: chr1-1053826-A-C. GRCh37 (hg19) VCF-style: chr1-989206-A-C.
Other names: c.5794A>C, p.Ser1932Arg (NM_001305275.2); c.5422A>C, p.Ser1808Arg (NM_001364727.2); short protein forms S1909R, S1932R, S1808R.
Identifiers: ClinVar variation 474156 (VCV000474156.8), dbSNP rs1553178845, ClinGen allele CA337785168.
Genomic context (GRCh38, chr1:1,053,826, plus strand): 5'-CAGAGCAACCACTTTGAACTGAGCCTGCGCACTGAGGCCACGCAGGGGCTGGTGCTCTGG[A>C]GTGGCAAGGCCACGGAGCGGGCAGACTATGTGGCACTGGCCATTGTGGACGGGCACCTGC-3'
Protein context (NP_940978.2, residues 1899-1919): TEATQGLVLW[Ser1909Arg]GKATERADYV